The following is an entry in ClinVar:

ClinVar aggregate classification (germline): Benign. Review status: criteria provided, multiple submitters, no conflicts (2 of 4 stars). 3 submissions from 3 submitters: Benign (3). Last evaluated 2026-01-28.

Conditions:
Dyskeratosis congenita. Identifiers: Orphanet 1775, MedGen C0265965, MONDO:0015780.
Cerebroretinal microangiopathy with calcifications and cysts 1 (CRMCC1). Identifiers: Orphanet 313838, MedGen C4552029, MONDO:0024564, OMIM 612199.

Allele frequency attached by ClinVar (database versions not stated): gnomAD 0.00002 and 0.00058; TOPMed 0.00009; gnomAD exomes 0.00102 and 0.00206; ExAC 0.00229; 1000 Genomes Project 0.00419; 1000 Genomes Project 30x 0.00484.
gnomAD v4.1: 1,563 of 1,613,042 alleles (0.097%); highest among the groups gnomAD compares: South Asian, 1.6%; 26 homozygotes.

Submissions (3):

Labcorp Genetics (formerly Invitae), Labcorp
Classification: Benign for Dyskeratosis congenita. Last evaluated: 2026-01-28. Review status: criteria provided, single submitter. Criteria: Invitae Variant Classification Sherloc (09022015). Collection method: clinical testing. Allele origin: germline.

Genome-Nilou Lab
Classification: Benign for Cerebroretinal microangiopathy with calcifications and cysts 1. Last evaluated: 2021-07-15. Review status: criteria provided, single submitter. Criteria: ACMG Guidelines, 2015. Collection method: clinical testing. Allele origin: germline. Affected: no.

Illumina Laboratory Services, Illumina
Classification: Benign for Dyskeratosis congenita. Last evaluated: 2018-01-13. Review status: criteria provided, single submitter. Criteria: ICSL Variant Classification Criteria 13 December 2019. Collection method: clinical testing. Allele origin: germline.
Comment: This variant was observed in the ICSL laboratory as part of a predisposition screen in an ostensibly healthy population. It had not been previously curated by ICSL or reported in the Human Gene Mutation Database (HGMD: prior to June 1st, 2018), and was therefore a candidate for classification through an automated scoring system. Utilizing variant allele frequency, disease prevalence and penetrance estimates, and inheritance mode, an automated score was calculated to assess if this variant is too frequent to cause the disease. Based on the score and internal cut-off values, a variant classified as benign is not then subjected to further curation. The score for this variant resulted in a classification of benign for this disease.

NM_025099.6(CTC1):c.2353G>A (p.Glu785Lys)

Gene: CTC1 (CST telomere replication complex component 1; minus strand). Cytogenetic location: 17p13.1.
Variant type: single nucleotide variant.
Coding change: c.2353G>A on transcript NM_025099.6 (MANE Select); coding-DNA position 2353, G replaced by A.
Protein change: p.Glu785Lys; replaces glutamic acid 785 with lysine.
Molecular consequence: missense variant. On other transcripts: non-coding transcript variant (1).
Genome position (GRCh38, 1-based): chr17:8,231,935, C>T on the plus strand (G>A on the coding strand, the complement: CTC1 is on the minus strand). VCF-style: chr17-8231935-C-T. GRCh37 (hg19) VCF-style: chr17-8135253-C-T.
Other names: short protein forms E785K.
Identifiers: ClinVar variation 459596 (VCV000459596.17), dbSNP rs201561504, ClinGen allele CA8372117.
Genomic context (GRCh38, chr17:8,231,935, plus strand): 5'-GTCCTGGGTCCCTGGAGTCCCAGTTTACCTTCTGATCATTGTCGTCATTTCCCTGGGGCT[C>T]GGGCAGCCCCCATCCAGTACCCTCCTTCCTCTGGGTGCCCCCAAGCCAGCTCCCCAACAC-3'
Protein context (NP_079375.3, residues 775-795): RKEGTGWGLP[Glu785Lys]PQGNDDNDQK